The following is an entry in ClinVar:

NM_001367624.2(ZNF469):c.5238A>G (p.Glu1746=)

Gene: ZNF469 (zinc finger protein 469; plus strand). Cytogenetic location: 16q24.2.
Variant type: single nucleotide variant.
Coding change: c.5238A>G on transcript NM_001367624.2 (MANE Select); coding-DNA position 5238, A replaced by G.
Protein change: p.Glu1746=; no amino-acid change (glutamic acid 1746 retained).
Molecular consequence: synonymous variant.
Genome position (GRCh38, 1-based): chr16:88,432,708, A>G. VCF-style: chr16-88432708-A-G. GRCh37 (hg19) VCF-style: chr16-88499116-A-G.
Other names: NM_001127464.1:c.5154A>G; NM_001127464.2:c.5154A>G.
Identifiers: ClinVar variation 1560510 (VCV001560510.11), dbSNP rs1035317456, ClinGen allele CA286377215.
Genomic context (GRCh38, chr16:88,432,708, plus strand): 5'-CAAGCAGCCTGGCCCACAGCTGGATGCCGGGAGTTTAGCAAAGTGCAGCCCCGACCAGGA[A>G]CTTTCATTTCCTAAGAATAAGGAGGCCGCCAGCTCACAAGAAAGTGAAGACTCCCTGCGG-3'
Protein context (NP_001354553.1, residues 1736-1756): GSLAKCSPDQ[Glu1746=]LSFPKNKEAA

ClinVar aggregate classification (germline): Likely benign. Review status: criteria provided, multiple submitters, no conflicts (2 of 4 stars). 4 submissions from 4 submitters: Likely benign (3). 1 of the submissions does not count toward it. Last evaluated 2026-04-06.

Conditions:
Cardiovascular phenotype. Identifiers: MedGen CN230736.
ZNF469-related disorder. Also called: ZNF469-related condition.

Allele frequency attached by ClinVar (database versions not stated): TOPMed 0.00010; gnomAD exomes 0.00015 and 0.00007; gnomAD 0.00003.
gnomAD v4.1: 42 of 1,550,298 alleles (0.0027%); highest among the groups gnomAD compares: Admixed American, 0.078%; no homozygotes.

Submissions (4):

Women's Health and Genetics/Laboratory Corporation of America, LabCorp
Classification: Likely benign. Last evaluated: 2026-04-06. Review status: criteria provided, single submitter. Criteria: LabCorp Variant Classification Summary - May 2015. Collection method: clinical testing. Allele origin: germline.

Labcorp Genetics (formerly Invitae), Labcorp
Classification: Likely benign. Last evaluated: 2025-12-23. Review status: criteria provided, single submitter. Criteria: Invitae Variant Classification Sherloc (09022015). Collection method: clinical testing. Allele origin: germline.

Ambry Genetics
Classification: Likely benign for Cardiovascular phenotype. Last evaluated: 2023-02-23. Review status: criteria provided, single submitter. Criteria: Ambry Variant Classification Scheme 2023. Collection method: clinical testing. Allele origin: germline.

PreventionGenetics, part of Exact Sciences
Classification: Likely benign for ZNF469-related condition. Last evaluated: 2024-05-13. Review status: no assertion criteria provided. Collection method: clinical testing. Allele origin: germline. Not counted in ClinVar's aggregate classification.
Comment: This variant is classified as likely benign based on ACMG/AMP sequence variant interpretation guidelines (Richards et al. 2015 PMID: 25741868, with internal and published modifications).